The following is an entry in ClinVar:

NM_001199138.2(NLRC4):c.3052G>A (p.Ala1018Thr)

Gene: NLRC4 (NLR family CARD domain containing 4; minus strand). Cytogenetic location: 2p22.3.
Variant type: single nucleotide variant.
Coding change: c.3052G>A on transcript NM_001199138.2 (MANE Select); coding-DNA position 3052, G replaced by A.
Protein change: p.Ala1018Thr; replaces alanine 1018 with threonine.
Molecular consequence: missense variant.
Genome position (GRCh38, 1-based): chr2:32,224,496, C>T on the plus strand (G>A on the coding strand, the complement: NLRC4 is on the minus strand). VCF-style: chr2-32224496-C-T. GRCh37 (hg19) VCF-style: chr2-32449565-C-T.
Other names: c.3052G>A, p.Ala1018Thr (NM_001199139.2, NM_021209.5); c.1057G>A, p.Ala353Thr (NM_001302504.2); short protein forms A1018T, A353T.
Identifiers: ClinVar variation 542041 (VCV000542041.2), dbSNP rs1438338245, ClinGen allele CA346519034.

ClinVar aggregate classification (germline): Uncertain significance. Review status: criteria provided, multiple submitters, no conflicts (2 of 4 stars). 2 submissions from 2 submitters: Uncertain significance (2). Last evaluated 2024-07-02.

Conditions:
Inborn genetic diseases. Identifiers: MedGen C0950123, MeSH D030342.
Periodic fever-infantile enterocolitis-autoinflammatory syndrome. Also called: Autoinflammation with infantile enterocolitis. Identifiers: Orphanet 436166, MedGen C4015067, MONDO:0014472, OMIM 616050.
Familial cold autoinflammatory syndrome 4 (FCAS4). Identifiers: Orphanet 47045, Orphanet 576349, MedGen C4015276, MONDO:0014498, OMIM 616115.

Allele frequency attached by ClinVar (database versions not stated): TOPMed below 0.00001; gnomAD 0.00001; gnomAD exomes 0.00001.
gnomAD v4.1: 16 of 1,605,360 alleles (0.001%); highest among the groups gnomAD compares: Non-Finnish European, 0.0014%; no homozygotes.

Submissions (2):

Ambry Genetics
Classification: Uncertain significance for Inborn genetic diseases. Last evaluated: 2024-07-02. Review status: criteria provided, single submitter. Criteria: Ambry Variant Classification Scheme 2023. Collection method: clinical testing. Allele origin: germline.

Labcorp Genetics (formerly Invitae), Labcorp
Classification: Uncertain significance for Periodic fever-infantile enterocolitis-autoinflammatory syndrome; Familial cold autoinflammatory syndrome 4. Last evaluated: 2017-11-27. Review status: criteria provided, single submitter. Criteria: Invitae Variant Classification Sherloc (09022015). Collection method: clinical testing. Allele origin: germline.
Comment: This sequence change replaces alanine with threonine at codon 1018 of the NLRC4 protein (p.Ala1018Thr). The alanine residue is moderately conserved and there is a small physicochemical difference between alanine and threonine. This variant is not present in population databases (ExAC no frequency). This variant has not been reported in the literature in individuals with NLRC4-related disease. Algorithms developed to predict the effect of missense changes on protein structure and function output the following: SIFT: "Tolerated"; PolyPhen-2: "Benign"; Align-GVGD: "Class C0". The threonine amino acid residue is found in multiple mammalian species, suggesting that this missense change does not adversely affect protein function. These predictions have not been confirmed by published functional studies and their clinical significance is uncertain. In summary, the available evidence is currently insufficient to determine the role of this variant in disease. Therefore, it has been classified as a Variant of Uncertain Significance.